The following is an entry in ClinVar:

NM_152713.5(STT3A):c.88+1G>T

Gene: STT3A (STT3 oligosaccharyltransferase complex catalytic subunit A; plus strand). Cytogenetic location: 11q24.2.
Variant type: single nucleotide variant.
Coding change: c.88+1G>T on transcript NM_152713.5 (MANE Select); the canonical splice donor site of the intron after coding-DNA position 88, G replaced by T.
Molecular consequence: splice donor variant. On other transcripts: intron variant (1).
Genome position (GRCh38, 1-based): chr11:125,596,004, G>T. VCF-style: chr11-125596004-G-T. GRCh37 (hg19) VCF-style: chr11-125465899-G-T.
Other names: c.88+1G>T (NM_001278503.2); c.-188-1055G>T (NM_001278504.2).
Identifiers: ClinVar variation 4278491 (VCV004278491.1).
Genomic context (GRCh38, chr11:125,596,004, plus strand): 5'-CCTATGAGAAGCAGGACACACTTTTGAAGCTTCTCATTCTGTCAATGGCTGCTGTATTAT[G>T]TGAGTGTGCATGTGAACCTCTCTTTCTTTGGGGATAGAAAGAAGAAAGTCTAGAAAAAAA-3'

ClinVar aggregate classification (germline): Uncertain significance (1 of 4 stars; one submission).

gnomAD v4.1: 1 of 1,608,812 alleles (0.000062%); highest among the groups gnomAD compares: Non-Finnish European, 0.000085%; no homozygotes.

Submission:

GeneDx
Classification: Uncertain significance. Last evaluated: 2025-04-06. Review status: criteria provided, single submitter. Criteria: GeneDx Variant Classification Process June 2021. Collection method: clinical testing. Allele origin: germline. Affected: yes.
Comment: Not observed at significant frequency in large population cohorts (gnomAD); Has not been previously published as pathogenic or benign to our knowledge; Canonical splice site variant in a gene for which loss-of-function is not an established mechanism of disease